The following is an entry in ClinVar:

ClinVar aggregate classification (germline): Uncertain significance (1 of 4 stars; one submission).

Conditions:
Autosomal recessive spinocerebellar ataxia 12. Also called: SPINOCEREBELLAR ATAXIA WITH MENTAL RETARDATION AND EPILEPSY. Identifiers: Orphanet 284282, MedGen C3280452, MONDO:0013687, OMIM 614322.
Developmental and epileptic encephalopathy, 1 (DEE1). Also called: X-linked infantile spasms; West's syndrome; Tonic spasms with clustering, arrest of psychomotor development and hypsarrhythmia on EEG; X-Linked Infantile Spasm Syndrome; OHTAHARA SYNDROME, X-LINKED; INFANTILE SPASM SYNDROME, X-LINKED 1. Identifiers: MedGen C3463992, MONDO:0010632, OMIM 308350. Disease mechanism: loss of function.

Allele frequency attached by ClinVar (database versions not stated): gnomAD exomes below 0.00001.
gnomAD v4.1: 3 of 1,614,228 alleles (0.00019%); highest among the groups gnomAD compares: Non-Finnish European, 0.00025%; no homozygotes.

Submission:

Labcorp Genetics (formerly Invitae), Labcorp
Classification: Uncertain significance for Developmental and epileptic encephalopathy, 1; Autosomal recessive spinocerebellar ataxia 12. Last evaluated: 2022-04-19. Review status: criteria provided, single submitter. Criteria: Invitae Variant Classification Sherloc (09022015). Collection method: clinical testing. Allele origin: germline.
Comment: Algorithms developed to predict the effect of missense changes on protein structure and function are either unavailable or do not agree on the potential impact of this missense change (SIFT: "Not Available"; PolyPhen-2: "Probably Damaging"; Align-GVGD: "Not Available"). This variant has not been reported in the literature in individuals affected with WWOX-related conditions. This variant is not present in population databases (gnomAD no frequency). This sequence change replaces isoleucine, which is neutral and non-polar, with methionine, which is neutral and non-polar, at codon 136 of the WWOX protein (p.Ile136Met). In summary, the available evidence is currently insufficient to determine the role of this variant in disease. Therefore, it has been classified as a Variant of Uncertain Significance.

NM_016373.4(WWOX):c.408A>G (p.Ile136Met)

Gene: WWOX (WW domain containing oxidoreductase; plus strand). Cytogenetic location: 16q23.1.
Variant type: single nucleotide variant.
Coding change: c.408A>G on transcript NM_016373.4 (MANE Select); coding-DNA position 408, A replaced by G.
Protein change: p.Ile136Met; replaces isoleucine 136 with methionine.
Molecular consequence: missense variant. On other transcripts: non-coding transcript variant (1).
Genome position (GRCh38, 1-based): chr16:78,115,153, A>G. VCF-style: chr16-78115153-A-G. GRCh37 (hg19) VCF-style: chr16-78149050-A-G.
Other names: c.69A>G, p.Ile23Met (NM_001291997.2); c.408A>G, p.Ile136Met (NM_130791.5); short protein forms I23M, I136M.
Identifiers: ClinVar variation 2124877 (VCV002124877.4), dbSNP rs2507215552, ClinGen allele CA396842638.